The following is an entry in ClinVar:

NM_006859.4(LIAS):c.520del (p.Tyr174fs)

Gene: LIAS (lipoic acid synthetase; plus strand). Cytogenetic location: 4p14.
Variant type: Deletion.
Coding change: c.520del on transcript NM_006859.4 (MANE Select); coding-DNA position 520, one base deleted (T; older notation c.520delT).
Protein change: p.Tyr174fs; shifts the reading frame from tyrosine 174.
Molecular consequence: frameshift variant. On other transcripts: intron variant (1).
Genome position (GRCh38, 1-based): chr4:39,465,172, T deleted; the last of 2 consecutive T bases (chr4:39,465,171-39,465,172); deleting either gives the same sequence. VCF-style (leftmost placement, unchanged base first): chr4-39465170-AT-A. GRCh37 (hg19) VCF-style: chr4-39466790-AT-A.
Other names: c.520del, p.Tyr174fs (NM_001278590.2, NM_194451.3); c.299+1567del (NM_001363700.2); short protein forms Y174fs.
Identifiers: ClinVar variation 1424012 (VCV001424012.6), dbSNP rs760569998, ClinGen allele CA2894694.

ClinVar aggregate classification (germline): Pathogenic (1 of 4 stars; one submission).

Conditions:
Lipoic acid synthetase deficiency. Also called: HYPERGLYCINEMIA, LACTIC ACIDOSIS, AND SEIZURES. Identifiers: Orphanet 401859, MedGen C3280887, MONDO:0013762, OMIM 614462.

Submission:

Labcorp Genetics (formerly Invitae), Labcorp
Classification: Pathogenic for Lipoic acid synthetase deficiency. Last evaluated: 2022-12-17. Review status: criteria provided, single submitter. Criteria: Invitae Variant Classification Sherloc (09022015). Collection method: clinical testing. Allele origin: germline.
Comment: For these reasons, this variant has been classified as Pathogenic. Algorithms developed to predict the effect of sequence changes on RNA splicing suggest that this variant may disrupt the consensus splice site. ClinVar contains an entry for this variant (Variation ID: 1424012). This variant has not been reported in the literature in individuals affected with LIAS-related conditions. This variant is present in population databases (rs760569998, gnomAD 0.002%). This sequence change creates a premature translational stop signal (p.Tyr174Metfs*4) in the LIAS gene. It is expected to result in an absent or disrupted protein product. Loss-of-function variants in LIAS are known to be pathogenic (PMID: 24334290, 27923773).

Literature cited by the submitters: PubMed 24334290; PubMed 27923773.